The following is an entry in ClinVar:

ClinVar aggregate classification (germline): Uncertain significance. Review status: criteria provided, multiple submitters, no conflicts (2 of 4 stars). 2 submissions from 2 submitters: Uncertain significance (2). Last evaluated 2025-01-22.

gnomAD v4.1: 9 of 1,613,572 alleles (0.00056%); highest among the groups gnomAD compares: African/African-American, 0.0067%; no homozygotes.

Submissions (2):

Ambry Genetics
Classification: Uncertain significance. Last evaluated: 2025-01-22. Review status: criteria provided, single submitter. Criteria: Ambry Variant Classification Scheme 2023. Collection method: clinical testing. Allele origin: germline.

Labcorp Genetics (formerly Invitae), Labcorp
Classification: Uncertain significance. Last evaluated: 2024-09-29. Review status: criteria provided, single submitter. Criteria: Invitae Variant Classification Sherloc (09022015). Collection method: clinical testing. Allele origin: germline.
Comment: This sequence change replaces arginine, which is basic and polar, with tryptophan, which is neutral and slightly polar, at codon 231 of the FAM65B protein (p.Arg231Trp). This variant is present in population databases (no rsID available, gnomAD 0.004%). This variant has not been reported in the literature in individuals affected with FAM65B-related conditions. An algorithm developed to predict the effect of missense changes on protein structure and function (PolyPhen-2) suggests that this variant is likely to be disruptive. In summary, the available evidence is currently insufficient to determine the role of this variant in disease. Therefore, it has been classified as a Variant of Uncertain Significance.

NM_001286445.3(RIPOR2):c.778C>T (p.Arg260Trp)

Gene: RIPOR2 (RHO family interacting cell polarization regulator 2; minus strand). Cytogenetic location: 6p22.3.
Variant type: single nucleotide variant.
Coding change: c.778C>T on transcript NM_001286445.3 (MANE Select); coding-DNA position 778, C replaced by T.
Protein change: p.Arg260Trp; replaces arginine 260 with tryptophan.
Molecular consequence: missense variant.
Genome position (GRCh38, 1-based): chr6:24,850,704, G>A on the plus strand (C>T on the coding strand, the complement: RIPOR2 is on the minus strand). VCF-style: chr6-24850704-G-A. GRCh37 (hg19) VCF-style: chr6-24850932-G-A.
Other names: c.691C>T (NM_014722.2); c.793C>T, p.Arg265Trp (NM_001286446.3); c.691C>T, p.Arg231Trp (NM_001286447.2, NM_001346031.2, NM_001346032.2 and 2 more transcripts); short protein forms R231W, R265W, R260W.
Identifiers: ClinVar variation 3664813 (VCV003664813.3).